The following is an entry in ClinVar:

NM_001080421.3(UNC13A):c.2239GAC[1] (p.Asp748del)

Gene: UNC13A (unc-13 homolog A; minus strand). Cytogenetic location: 19p13.11.
Variant type: Microsatellite.
Coding change: c.2239GAC[1] on transcript NM_001080421.3 (MANE Select); one copy of the 3-base unit GAC starting at c.2239; the reference has two copies in a row; one copy, 3 bases deleted.
Protein change: p.Asp748del; deletes aspartic acid 748.
Molecular consequence: inframe deletion.
Genome position (GRCh38, 1-based): chr19:17,645,786-17,645,788, GTC deleted on the plus strand (GAC on the coding strand, the reverse complement: UNC13A is on the minus strand); deleting any 3 consecutive bases within chr19:17,645,786-17,645,791 gives the same sequence; the position shown is the placement nearest the transcript's 3' end. VCF-style (leftmost placement, unchanged base first): chr19-17645785-TGTC-T. GRCh37 (hg19) VCF-style: chr19-17756594-TGTC-T.
Other names: c.2233GAC[1], p.Asp746del (NM_001387021.1, NM_001387022.1, NM_001387023.1); short protein forms D746del, D748del.
Identifiers: ClinVar variation 1804561 (VCV001804561.1), dbSNP rs2513064205, ClinGen allele CA2580613084.

ClinVar aggregate classification (germline): Uncertain significance (1 of 4 stars; one submission).

Submission:

GeneDx
Classification: Uncertain significance. Last evaluated: 2022-01-08. Review status: criteria provided, single submitter. Criteria: GeneDx Variant Classification Process June 2021. Collection method: clinical testing. Allele origin: germline. Affected: yes.
Comment: Variants in candidate genes are classified as variants of uncertain significance in accordance with ACMG guidelines (Richards et al., 2015); Not observed at significant frequency in large population cohorts (gnomAD); In-frame deletion of 1 amino acids in a non-repeat region; In silico analysis supports a deleterious effect on protein structure/function; Has not been previously published as pathogenic or benign to our knowledge